The following is an entry in ClinVar:

ClinVar aggregate classification (germline): Uncertain significance (1 of 4 stars; one submission).

Allele frequency attached by ClinVar (database versions not stated): gnomAD exomes below 0.00001.

Submission:

GeneDx
Classification: Uncertain significance. Last evaluated: 2022-09-13. Review status: criteria provided, single submitter. Criteria: GeneDx Variant Classification Process June 2021. Collection method: clinical testing. Allele origin: germline. Affected: yes.
Comment: Not observed at significant frequency in large population cohorts (gnomAD); In silico analysis supports that this missense variant does not alter protein structure/function; Has not been previously published as pathogenic or benign to our knowledge

NM_002234.4(KCNA5):c.1375A>G (p.Asn459Asp)

Gene: KCNA5 (potassium voltage-gated channel subfamily A member 5; plus strand). Cytogenetic location: 12p13.32.
Variant type: single nucleotide variant.
Coding change: c.1375A>G on transcript NM_002234.4 (MANE Select); coding-DNA position 1375, A replaced by G.
Protein change: p.Asn459Asp; replaces asparagine 459 with aspartic acid.
Molecular consequence: missense variant.
Genome position (GRCh38, 1-based): chr12:5,045,522, A>G. VCF-style: chr12-5045522-A-G. GRCh37 (hg19) VCF-style: chr12-5154688-A-G.
Other names: short protein forms N459D.
Identifiers: ClinVar variation 2443679 (VCV002443679.1), dbSNP rs2497480561, ClinGen allele CA383466348.
Genomic context (GRCh38, chr12:5,045,522, plus strand): 5'-TTCTTCCTCTTCATCGGGGTCATCCTCTTCTCCAGTGCCGTCTACTTCGCAGAGGCTGAC[A>G]ACCAGGGAACCCATTTCTCTAGCATCCCTGACGCCTTCTGGTGGGCAGTGGTCACCATGA-3'
Protein context (NP_002225.2, residues 449-469): SSAVYFAEAD[Asn459Asp]QGTHFSSIPD